The following is an entry in ClinVar:

ClinVar aggregate classification (germline): Uncertain significance (1 of 4 stars; one submission).

Conditions:
RASopathy. Also called: Noonan spectrum disorder; rasopathies. Identifiers: Orphanet 536391, MedGen C5555857, MONDO:0021060.

Submission:

Labcorp Genetics (formerly Invitae), Labcorp
Classification: Uncertain significance for RASopathy. Last evaluated: 2020-08-20. Review status: criteria provided, single submitter. Criteria: Invitae Variant Classification Sherloc (09022015). Collection method: clinical testing. Allele origin: germline.
Comment: This sequence change results in a frameshift in the NRAS gene (p.Gly180Valfs*15). While this is not anticipated to result in nonsense mediated decay, it is expected to disrupt the last 10 amino acids of the NRAS protein and extend the protein by an additional 4 amino acids. This variant is not present in population databases (ExAC no frequency). This variant has not been reported in the literature in individuals with NRAS-related conditions. Algorithms developed to predict the effect of sequence changes on RNA splicing suggest that this variant may disrupt the consensus splice site, but this prediction has not been confirmed by published transcriptional studies. In summary, the available evidence is currently insufficient to determine the role of this variant in disease. Therefore, it has been classified as a Variant of Uncertain Significance.

NM_002524.5(NRAS):c.539_*4+1del

Gene: NRAS (NRAS proto-oncogene, GTPase; minus strand). Cytogenetic location: 1p13.2.
Variant type: Deletion.
Coding change: c.539_*4+1del on transcript NM_002524.5 (MANE Select); coding-DNA position 539 through the canonical splice donor site of the intron after 4 bases downstream of the stop codon, 37 bases deleted.
Molecular consequence: splice donor variant.
Genome position (GRCh38, 1-based): chr1:114,708,530-114,708,566, 37 bases deleted; deleting any 37 consecutive bases within chr1:114,708,530-114,708,569 gives the same sequence; the c. name uses the placement nearest the transcript's 3' end. GRCh37 (hg19): chr1:115,251,154-115,251,190.
Identifiers: ClinVar variation 1010637 (VCV001010637.2), dbSNP rs1658965835, ClinGen allele CA1190289323.